The following is an entry in ClinVar:

ClinVar aggregate classification (germline): Uncertain significance. Review status: criteria provided, multiple submitters, no conflicts (2 of 4 stars). 3 submissions from 3 submitters: Uncertain significance (3). Last evaluated 2025-06-22.

Conditions:
Cardiovascular phenotype. Identifiers: MedGen CN230736.
Progressive familial heart block type IB (PFHB1B). Identifiers: Orphanet 871, MedGen C1970298, MONDO:0011474, OMIM 604559.

Allele frequency attached by ClinVar (database versions not stated): TOPMed below 0.00001.

Submissions (3):

Labcorp Genetics (formerly Invitae), Labcorp
Classification: Uncertain significance for Progressive familial heart block type IB. Last evaluated: 2025-06-22. Review status: criteria provided, single submitter. Criteria: Invitae Variant Classification Sherloc (09022015). Collection method: clinical testing. Allele origin: germline.
Comment: This sequence change replaces glutamic acid, which is acidic and polar, with lysine, which is basic and polar, at codon 827 of the TRPM4 protein (p.Glu827Lys). This variant is not present in population databases (gnomAD no frequency). This variant has not been reported in the literature in individuals affected with TRPM4-related conditions. ClinVar contains an entry for this variant (Variation ID: 452468). An algorithm developed to predict the effect of missense changes on protein structure and function (PolyPhen-2) suggests that this variant is likely to be disruptive. In summary, the available evidence is currently insufficient to determine the role of this variant in disease. Therefore, it has been classified as a Variant of Uncertain Significance.

Ambry Genetics
Classification: Uncertain significance for Cardiovascular phenotype. Last evaluated: 2024-03-19. Review status: criteria provided, single submitter. Criteria: Ambry Variant Classification Scheme 2023. Collection method: clinical testing. Allele origin: germline.
Comment: The p.E827K variant (also known as c.2479G>A), located in coding exon 17 of the TRPM4 gene, results from a G to A substitution at nucleotide position 2479. The glutamic acid at codon 827 is replaced by lysine, an amino acid with similar properties. This amino acid position is conserved. In addition, the in silico prediction for this alteration is inconclusive. Since supporting evidence is limited at this time, the clinical significance of this alteration remains unclear.

GeneDx
Classification: Uncertain significance. Last evaluated: 2017-10-02. Review status: criteria provided, single submitter. Criteria: GeneDx Variant Classification (06012015). Collection method: clinical testing. Allele origin: germline. Affected: yes.
Comment: The E827K variant has not been published as pathogenic or been reported as benign to our knowledge. In addition, it is not observed in large population cohorts (Lek et al., 2016). The E827K variant is a non-conservative amino acid substitution, which is likely to impact secondary protein structure as these residues differ in polarity, charge, size and/or other properties. Moreover, this substitution occurs at a position that is conserved across species, and in silico analysis predicts this variant is probably damaging to the protein structure/function. Nonetheless, this variant lacks observation in a significant number of affected individuals, segregation data, and functional evidence, which would further clarify its pathogenicity.

NM_017636.4(TRPM4):c.2479G>A (p.Glu827Lys)

Gene: TRPM4 (transient receptor potential cation channel subfamily M member 4; plus strand). Cytogenetic location: 19q13.33.
Variant type: single nucleotide variant.
Coding change: c.2479G>A on transcript NM_017636.4 (MANE Select); coding-DNA position 2479, G replaced by A.
Protein change: p.Glu827Lys; replaces glutamic acid 827 with lysine.
Molecular consequence: missense variant. On other transcripts: intron variant (1).
Genome position (GRCh38, 1-based): chr19:49,196,708, G>A. VCF-style: chr19-49196708-G-A. GRCh37 (hg19) VCF-style: chr19-49699965-G-A.
Other names: c.2134G>A, p.Glu712Lys (NM_001321281.2); c.871G>A, p.Glu291Lys (NM_001321282.2); c.1957G>A, p.Glu653Lys (NM_001321283.2); c.1417G>A, p.Glu473Lys (NM_001321285.2); c.2211-3592G>A (NM_001195227.2); short protein forms E827K, E291K, E473K, E653K, E712K.
Identifiers: ClinVar variation 452468 (VCV000452468.13), dbSNP rs1359936280, ClinGen allele CA406809312.